The following is an entry in ClinVar:

ClinVar aggregate classification (germline): Uncertain significance (1 of 4 stars; one submission).

Allele frequency attached by ClinVar (database versions not stated): gnomAD exomes 0.00001.

Submission:

Labcorp Genetics (formerly Invitae), Labcorp
Classification: Uncertain significance. Last evaluated: 2022-10-25. Review status: criteria provided, single submitter. Criteria: Invitae Variant Classification Sherloc (09022015). Collection method: clinical testing. Allele origin: germline.
Comment: This sequence change replaces arginine, which is basic and polar, with histidine, which is basic and polar, at codon 1111 of the PTPN23 protein (p.Arg1111His). This variant is present in population databases (no rsID available, gnomAD 0.004%). This variant has not been reported in the literature in individuals affected with PTPN23-related conditions. ClinVar contains an entry for this variant (Variation ID: 1402406). Algorithms developed to predict the effect of missense changes on protein structure and function are either unavailable or do not agree on the potential impact of this missense change (SIFT: "Tolerated"; PolyPhen-2: "Probably Damaging"; Align-GVGD: "Class C0"). In summary, the available evidence is currently insufficient to determine the role of this variant in disease. Therefore, it has been classified as a Variant of Uncertain Significance.

NM_015466.4(PTPN23):c.3332G>A (p.Arg1111His)

Gene: PTPN23 (protein tyrosine phosphatase non-receptor type 23; plus strand). Cytogenetic location: 3p21.31.
Variant type: single nucleotide variant.
Coding change: c.3332G>A on transcript NM_015466.4 (MANE Select); coding-DNA position 3332, G replaced by A.
Protein change: p.Arg1111His; replaces arginine 1111 with histidine.
Molecular consequence: missense variant.
Genome position (GRCh38, 1-based): chr3:47,411,130, G>A. VCF-style: chr3-47411130-G-A. GRCh37 (hg19) VCF-style: chr3-47452620-G-A.
Other names: c.2954G>A, p.Arg985His (NM_001304482.2); short protein forms R985H, R1111H.
Identifiers: ClinVar variation 1402406 (VCV001402406.3), dbSNP rs1369387943, ClinGen allele CA352561720.